The following is an entry in ClinVar:

ClinVar aggregate classification (germline): Pathogenic (1 of 4 stars; one submission).

Allele frequency attached by ClinVar (database versions not stated): gnomAD exomes below 0.00001.
gnomAD v4.1: 2 of 1,614,138 alleles (0.00012%); highest among the groups gnomAD compares: Non-Finnish European, 0.00017%; no homozygotes.

Submission:

Labcorp Genetics (formerly Invitae), Labcorp
Classification: Pathogenic. Last evaluated: 2022-01-28. Review status: criteria provided, single submitter. Criteria: Invitae Variant Classification Sherloc (09022015). Collection method: clinical testing. Allele origin: germline.
Comment: For these reasons, this variant has been classified as Pathogenic. This variant has not been reported in the literature in individuals affected with SPTA1-related conditions. This variant is not present in population databases (gnomAD no frequency). This sequence change creates a premature translational stop signal (p.Trp597*) in the SPTA1 gene. It is expected to result in an absent or disrupted protein product. Loss-of-function variants in SPTA1 are known to be pathogenic (PMID: 9192783, 18815189, 31333484, 31723846, 32266426).

Literature cited by the submitters: PubMed 9192783; PubMed 18815189; PubMed 31333484; PubMed 31723846; PubMed 32266426.

NM_003126.4(SPTA1):c.1790G>A (p.Trp597Ter)

Gene: SPTA1 (spectrin alpha, erythrocytic 1; minus strand). Cytogenetic location: 1q23.1.
Variant type: single nucleotide variant.
Coding change: c.1790G>A on transcript NM_003126.4 (MANE Select); coding-DNA position 1790, G replaced by A.
Protein change: p.Trp597Ter; replaces tryptophan 597 with a stop codon.
Molecular consequence: nonsense.
Genome position (GRCh38, 1-based): chr1:158,669,451, C>T on the plus strand (G>A on the coding strand, the complement: SPTA1 is on the minus strand). VCF-style: chr1-158669451-C-T. GRCh37 (hg19) VCF-style: chr1-158639241-C-T.
Other names: short protein forms W597*.
Identifiers: ClinVar variation 2090339 (VCV002090339.4), dbSNP rs2525252642, ClinGen allele CA343008883.